The following is an entry in ClinVar:

NM_017838.4(NHP2):c.*4G>A

Genes: NHP2 (NHP2 ribonucleoprotein; minus strand), RMND5B (required for meiotic nuclear division 5 homolog B; plus strand). Cytogenetic location: 5q35.3.
Variant type: single nucleotide variant.
Coding change: c.*4G>A on transcript NM_017838.4 (MANE Select); 4 bases downstream of the stop codon, G replaced by A.
Molecular consequence: 3 prime UTR variant.
Genome position (GRCh38, 1-based): chr5:178,149,709, C>T on the plus strand (G>A on the coding strand, the complement: NHP2 is on the minus strand). VCF-style: chr5-178149709-C-T. GRCh37 (hg19) VCF-style: chr5-177576710-C-T.
Other names: c.*87G>A (NM_001034833.2, NM_001396110.1); c.*1677C>T (NM_001288794.2, NM_001288795.2, NM_022762.5).
Identifiers: ClinVar variation 3353648 (VCV003353648.1).

ClinVar aggregate classification (germline): Likely benign (0 of 4 stars; one submission).

Conditions:
NHP2-related disorder. Also called: NHP2-related condition.

gnomAD v4.1: 64 of 1,613,438 alleles (0.004%); highest among the groups gnomAD compares: African/African-American, 0.076%; no homozygotes.

Submission:

PreventionGenetics, part of Exact Sciences
Classification: Likely benign for NHP2-related condition. Last evaluated: 2024-08-26. Review status: no assertion criteria provided. Collection method: clinical testing. Allele origin: germline.
Comment: This variant is classified as likely benign based on ACMG/AMP sequence variant interpretation guidelines (Richards et al. 2015 PMID: 25741868, with internal and published modifications).